The following is an entry in ClinVar:

ClinVar aggregate classification (germline): Uncertain significance. Review status: criteria provided, multiple submitters, no conflicts (2 of 4 stars). 3 submissions from 3 submitters: Uncertain significance (3). Last evaluated 2024-12-16.

Conditions:
Inborn genetic diseases. Identifiers: MedGen C0950123, MeSH D030342.

Allele frequency attached by ClinVar (database versions not stated): TOPMed 0.00001; gnomAD 0.00005 and 0.00006; gnomAD exomes 0.00005; ExAC 0.00006; ESP Exome Variant Server 0.00008; 1000 Genomes Project 30x 0.00016; 1000 Genomes Project 0.00020.

Submissions (3):

Ambry Genetics
Classification: Uncertain significance for Inborn genetic diseases. Last evaluated: 2024-12-16. Review status: criteria provided, single submitter. Criteria: Ambry Variant Classification Scheme 2023. Collection method: clinical testing. Allele origin: germline.

Blueprint Genetics
Classification: Uncertain significance. Last evaluated: 2024-07-16. Review status: criteria provided, single submitter. Criteria: ACMG Guidelines, 2015. Collection method: clinical testing. Allele origin: germline.

Labcorp Genetics (formerly Invitae), Labcorp
Classification: Uncertain significance. Last evaluated: 2023-11-27. Review status: criteria provided, single submitter. Criteria: Invitae Variant Classification Sherloc (09022015). Collection method: clinical testing. Allele origin: germline.
Comment: This sequence change replaces valine, which is neutral and non-polar, with isoleucine, which is neutral and non-polar, at codon 52 of the CIB2 protein (p.Val52Ile). This variant is present in population databases (rs149227237, gnomAD 0.01%). This variant has not been reported in the literature in individuals affected with CIB2-related conditions. ClinVar contains an entry for this variant (Variation ID: 1015696). An algorithm developed to predict the effect of missense changes on protein structure and function (PolyPhen-2) suggests that this variant¬†is likely to be tolerated. In summary, the available evidence is currently insufficient to determine the role of this variant in disease. Therefore, it has been classified as a Variant of Uncertain Significance.

NM_006383.4(CIB2):c.154G>A (p.Val52Ile)

Gene: CIB2 (calcium and integrin binding family member 2; minus strand). Cytogenetic location: 15q25.1.
Variant type: single nucleotide variant.
Coding change: c.154G>A on transcript NM_006383.4 (MANE Select); coding-DNA position 154, G replaced by A.
Protein change: p.Val52Ile; replaces valine 52 with isoleucine.
Molecular consequence: missense variant. On other transcripts: intron variant (2).
Genome position (GRCh38, 1-based): chr15:78,111,209, C>T on the plus strand (G>A on the coding strand, the complement: CIB2 is on the minus strand). VCF-style: chr15-78111209-C-T. GRCh37 (hg19) VCF-style: chr15-78403551-C-T.
Other names: c.25G>A, p.Val9Ile (NM_001271888.2); c.52-1827G>A (NM_001271889.2); c.87-1700G>A (NM_001301224.2); c.154G>A (NM_006383.2); short protein forms V52I, V9I.
Identifiers: ClinVar variation 1015696 (VCV001015696.9), dbSNP rs149227237, ClinGen allele CA7680323.